The following is an entry in ClinVar:

NM_001105206.3(LAMA4):c.5393T>C (p.Ile1798Thr)

Gene: LAMA4 (laminin subunit alpha 4; minus strand). Cytogenetic location: 6q21.
Variant type: single nucleotide variant.
Coding change: c.5393T>C on transcript NM_001105206.3 (MANE Select); coding-DNA position 5393, T replaced by C.
Protein change: p.Ile1798Thr; replaces isoleucine 1798 with threonine.
Molecular consequence: missense variant.
Genome position (GRCh38, 1-based): chr6:112,109,516, A>G on the plus strand (T>C on the coding strand, the complement: LAMA4 is on the minus strand). VCF-style: chr6-112109516-A-G. GRCh37 (hg19) VCF-style: chr6-112430719-A-G.
Other names: p.Ile1791Thr; c.5372T>C, p.Ile1791Thr (NM_001105207.3, NM_002290.5); c.5372T>C (LRG_433t2); short protein forms I1791T, I1798T.
Identifiers: ClinVar variation 518608 (VCV000518608.27), dbSNP rs377204776, ClinGen allele CA3964723.

ClinVar aggregate classification (germline): Conflicting classifications of pathogenicity. Review status: criteria provided, conflicting classifications (1 of 4 stars). 8 submissions from 8 submitters: Uncertain significance (7); Likely benign (1). Last evaluated 2025-12-25.

Conditions:
Cardiovascular phenotype. Identifiers: MedGen CN230736.
Dilated cardiomyopathy 1JJ (CMD1JJ). Identifiers: Orphanet 154, MedGen C3808935, MONDO:0014095, OMIM 615235.

Allele frequency attached by ClinVar (database versions not stated): ExAC 0.00002; gnomAD exomes 0.00003 and 0.00004; gnomAD 0.00005 and 0.00006; TOPMed 0.00005; ESP Exome Variant Server 0.00015.
gnomAD v4.1: 48 of 1,613,974 alleles (0.003%); highest among the groups gnomAD compares: African/African-American, 0.016%; no homozygotes.

Submissions (8):

Labcorp Genetics (formerly Invitae), Labcorp
Classification: Uncertain significance for Dilated cardiomyopathy 1JJ. Last evaluated: 2025-12-25. Review status: criteria provided, single submitter. Criteria: Invitae Variant Classification Sherloc (09022015). Collection method: clinical testing. Allele origin: germline.
Comment: This sequence change replaces isoleucine, which is neutral and non-polar, with threonine, which is neutral and polar, at codon 1791 of the LAMA4 protein (p.Ile1791Thr). This variant is present in population databases (rs377204776, gnomAD 0.02%). This variant has not been reported in the literature in individuals affected with LAMA4-related conditions. ClinVar contains an entry for this variant (Variation ID: 518608). Invitae Evidence Modeling of protein sequence and biophysical properties (such as structural, functional, and spatial information, amino acid conservation, physicochemical variation, residue mobility, and thermodynamic stability) indicates that this missense variant is expected to disrupt LAMA4 protein function with a positive predictive value of 80%. In summary, the available evidence is currently insufficient to determine the role of this variant in disease. Therefore, it has been classified as a Variant of Uncertain Significance.

Ambry Genetics
Classification: Uncertain significance for Cardiovascular phenotype. Last evaluated: 2025-04-01. Review status: criteria provided, single submitter. Criteria: Ambry Variant Classification Scheme 2023. Collection method: clinical testing. Allele origin: germline.

GeneDx
Classification: Uncertain significance. Last evaluated: 2024-10-14. Review status: criteria provided, single submitter. Criteria: GeneDx Variant Classification Process June 2021. Collection method: clinical testing. Allele origin: germline. Affected: yes.
Comment: Has not been previously published as pathogenic or benign to our knowledge; In silico analysis supports that this missense variant has a deleterious effect on protein structure/function

Women's Health and Genetics/Laboratory Corporation of America, LabCorp
Classification: Likely benign. Last evaluated: 2024-01-15. Review status: criteria provided, single submitter. Criteria: LabCorp Variant Classification Summary - May 2015. Collection method: clinical testing. Allele origin: germline.

Neuberg Centre For Genomic Medicine, NCGM
Classification: Uncertain significance for Dilated cardiomyopathy 1JJ. Last evaluated: 2023-02-14. Review status: criteria provided, single submitter. Criteria: ACMG Guidelines, 2015. Collection method: clinical testing. Allele origin: germline. Inheritance: Autosomal dominant inheritance. Affected: yes.
Comment: The missense c.5393T>C (p.Ile1798Thr) variant in LAMA4 gene has not been reported previously as a pathogenic variant nor as a benign variant, to our knowledge. The p.Ile1798Thr variant is reported with an allele frequency of 0.004% in the gnomAD exomes database and is novel (not in any individuals) in 1000 Genomes database. This variant has been reported to the ClinVar database as Uncertain Significance (multiple submissions). The amino acid change p.Ile1798Thr in LAMA4 is predicted as conserved by GERP++ and PhyloP across 100 vertebrates. The amino acid Ile at position 1798 is changed to a Thr changing protein sequence and it might alter its composition and physico-chemical properties. For these reasons, this variant has been classified as a Variant of Uncertain Significance (VUS).

Mayo Clinic Laboratories, Mayo Clinic
Classification: Uncertain significance. Last evaluated: 2021-12-02. Review status: criteria provided, single submitter. Criteria: ACMG Guidelines, 2015. Collection method: clinical testing. Allele origin: germline.

Fulgent Genetics
Classification: Uncertain significance for Dilated cardiomyopathy 1JJ. Last evaluated: 2021-08-10. Review status: criteria provided, single submitter. Criteria: ACMG Guidelines, 2015. Collection method: clinical testing. Allele origin: unknown.

Baylor Genetics
Classification: Uncertain significance for Dilated cardiomyopathy 1JJ. Last evaluated: 2018-12-14. Review status: criteria provided, single submitter. Criteria: ACMG Guidelines, 2015. Collection method: clinical testing. Allele origin: paternal. Affected: yes.
Comment: This variant was determined to be of uncertain significance according to ACMG Guidelines, 2015 [PMID:25741868].